The following is an entry in ClinVar:

ClinVar aggregate classification (germline): Uncertain significance (1 of 4 stars; one submission).

gnomAD v4.1: 1 of 1,613,754 alleles (0.000062%); highest among the groups gnomAD compares: Non-Finnish European, 0.000085%; no homozygotes.

Submission:

GeneDx
Classification: Uncertain significance. Last evaluated: 2025-07-27. Review status: criteria provided, single submitter. Criteria: GeneDx Variant Classification Process June 2021. Collection method: clinical testing. Allele origin: germline. Affected: yes.
Comment: Not observed at significant frequency in large population cohorts (gnomAD); In silico analysis suggests that this missense variant does not alter protein structure/function; Occurs in the triple helical domain at the X position in the canonical Gly-X-Y repeat; although this variant may have an effect on normal protein folding and function, missense substitution at the X position is not a common mechanism of disease; Has not been previously published as pathogenic or benign to our knowledge

NM_000091.5(COL4A3):c.3295C>T (p.Pro1099Ser)

Genes: COL4A3 (collagen type IV alpha 3 chain; plus strand), MFF-DT (MFF divergent transcript; minus strand). Cytogenetic location: 2q36.3.
Variant type: single nucleotide variant.
Coding change: c.3295C>T on transcript NM_000091.5 (MANE Select); coding-DNA position 3295, C replaced by T.
Protein change: p.Pro1099Ser; replaces proline 1099 with serine.
Molecular consequence: missense variant.
Genome position (GRCh38, 1-based): chr2:227,293,275, C>T. VCF-style: chr2-227293275-C-T. GRCh37 (hg19) VCF-style: chr2-228157991-C-T.
Other names: short protein forms P1099S.
Identifiers: ClinVar variation 4689980 (VCV004689980.1).